The following is an entry in ClinVar:

ClinVar aggregate classification (germline): Pathogenic (1 of 4 stars; one submission).

Submission:

Labcorp Genetics (formerly Invitae), Labcorp
Classification: Pathogenic. Last evaluated: 2025-11-11. Review status: criteria provided, single submitter. Criteria: Invitae Variant Classification Sherloc (09022015). Collection method: clinical testing. Allele origin: germline.
Comment: This sequence change creates a premature translational stop signal (p.Glu2339Serfs*78) in the MYO15A gene. It is expected to result in an absent or disrupted protein product. Loss-of-function variants in MYO15A are known to be pathogenic (PMID: 17546645). This variant is not present in population databases (gnomAD no frequency). This variant has not been reported in the literature in individuals affected with MYO15A-related conditions. ClinVar contains an entry for this variant (Variation ID: 1068743). For these reasons, this variant has been classified as Pathogenic.

Literature cited by the submitters: PubMed 17546645.

NM_016239.4(MYO15A):c.7015del (p.Glu2339fs)

Gene: MYO15A (myosin XVA; plus strand). Cytogenetic location: 17p11.2.
Variant type: Deletion.
Coding change: c.7015del on transcript NM_016239.4 (MANE Select); coding-DNA position 7015, one base deleted (G; older notation c.7015delG).
Protein change: p.Glu2339fs; shifts the reading frame from glutamic acid 2339.
Molecular consequence: frameshift variant.
Genome position (GRCh38, 1-based): chr17:18,149,274, G deleted; the last of 2 consecutive G bases (chr17:18,149,273-18,149,274); deleting either gives the same sequence. VCF-style (leftmost placement, unchanged base first): chr17-18149272-AG-A. GRCh37 (hg19) VCF-style: chr17-18052586-AG-A.
Other names: short protein forms E2339fs.
Identifiers: ClinVar variation 1068743 (VCV001068743.5), dbSNP rs2142364249, ClinGen allele CA2499223932.